The following is an entry in ClinVar:

NM_006885.4(ZFHX3):c.2385G>C (p.Pro795=)

Gene: ZFHX3 (zinc finger homeobox 3; minus strand). Cytogenetic location: 16q22.3.
Variant type: single nucleotide variant.
Coding change: c.2385G>C on transcript NM_006885.4 (MANE Select); coding-DNA position 2385, G replaced by C.
Protein change: p.Pro795=; no amino-acid change (proline 795 retained).
Molecular consequence: synonymous variant. On other transcripts: intron variant (1).
Genome position (GRCh38, 1-based): chr16:72,957,761, C>G on the plus strand (G>C on the coding strand, the complement: ZFHX3 is on the minus strand). VCF-style: chr16-72957761-C-G. GRCh37 (hg19) VCF-style: chr16-72991660-C-G.
Other names: c.2385G>C, p.Pro795= (NM_001386735.1); c.-23-6796G>C (NM_001164766.2).
Identifiers: ClinVar variation 1240447 (VCV001240447.6), dbSNP rs10852515, ClinGen allele CA8164422.

ClinVar aggregate classification (germline): Benign. Review status: criteria provided, multiple submitters, no conflicts (2 of 4 stars). 4 submissions from 4 submitters: Benign (3). 1 of the submissions does not count toward it. Last evaluated 2024-11-27.

Conditions:
ZFHX3-related disorder. Also called: ZFHX3-related condition.

Allele frequency attached by ClinVar (database versions not stated): 1000 Genomes Project 0.77097; 1000 Genomes Project 30x 0.77124; TOPMed 0.83582; ExAC 0.83586; ESP Exome Variant Server 0.83595; gnomAD exomes 0.84125.
gnomAD v4.1: 1,369,440 of 1,613,940 alleles (85%); highest among the groups gnomAD compares: Admixed American, 92%; 583,174 homozygotes.

Submissions (4):

Blueprint Genetics
Classification: Benign. Last evaluated: 2024-11-27. Review status: criteria provided, single submitter. Criteria: ACMG Guidelines, 2015. Collection method: clinical testing. Allele origin: germline.

GeneDx
Classification: Benign. Last evaluated: 2020-04-22. Review status: criteria provided, single submitter. Criteria: GeneDx Variant Classification Process June 2021. Collection method: clinical testing. Allele origin: germline. Affected: yes.

Breakthrough Genomics
Classification: Benign. Review status: criteria provided, single submitter. Criteria: ACMG Guidelines, 2015. Collection method: not provided. Allele origin: germline. Inheritance: Autosomal dominant inheritance. Affected: yes.

PreventionGenetics, part of Exact Sciences
Classification: Benign for ZFHX3-related condition. Last evaluated: 2019-10-21. Review status: no assertion criteria provided. Collection method: clinical testing. Allele origin: germline. Not counted in ClinVar's aggregate classification.
Comment: This variant is classified as benign based on ACMG/AMP sequence variant interpretation guidelines (Richards et al. 2015 PMID: 25741868, with internal and published modifications).